The following is an entry in ClinVar:

ClinVar aggregate classification (germline): Uncertain significance (1 of 4 stars; one submission).

Conditions:
Developmental and epileptic encephalopathy, 53. Also called: Epileptic encephalopathy, early infantile, 53. Identifiers: MedGen C4479313, MONDO:0033362, OMIM 617389.
Early-onset Parkinson disease 20. Also called: PARKINSON DISEASE 20, AUTOSOMAL RECESSIVE EARLY-ONSET. Identifiers: Orphanet 391411, MedGen C3809824, MONDO:0014233, OMIM 615530.

gnomAD v4.1: 1 of 1,614,144 alleles (0.000062%); highest among the groups gnomAD compares: East Asian, 0.0022%; no homozygotes.

Submission:

Labcorp Genetics (formerly Invitae), Labcorp
Classification: Uncertain significance for Developmental and epileptic encephalopathy, 53; Early-onset Parkinson disease 20. Last evaluated: 2022-04-08. Review status: criteria provided, single submitter. Criteria: Invitae Variant Classification Sherloc (09022015). Collection method: clinical testing. Allele origin: germline.
Comment: In summary, the available evidence is currently insufficient to determine the role of this variant in disease. Therefore, it has been classified as a Variant of Uncertain Significance. Algorithms developed to predict the effect of missense changes on protein structure and function are either unavailable or do not agree on the potential impact of this missense change (SIFT: "Deleterious"; PolyPhen-2: "Probably Damaging"; Align-GVGD: "Class C0"). This sequence change replaces serine, which is neutral and polar, with asparagine, which is neutral and polar, at codon 1245 of the SYNJ1 protein (p.Ser1245Asn). This variant is not present in population databases (gnomAD no frequency). This variant has not been reported in the literature in individuals affected with SYNJ1-related conditions.

NM_203446.3(SYNJ1):c.3617G>A (p.Ser1206Asn)

Gene: SYNJ1 (synaptojanin 1; minus strand). Cytogenetic location: 21q22.11.
Variant type: single nucleotide variant.
Coding change: c.3617G>A on transcript NM_203446.3 (MANE Select); coding-DNA position 3617, G replaced by A.
Protein change: p.Ser1206Asn; replaces serine 1206 with asparagine.
Molecular consequence: missense variant.
Genome position (GRCh38, 1-based): chr21:32,639,751, C>T on the plus strand (G>A on the coding strand, the complement: SYNJ1 is on the minus strand). VCF-style: chr21-32639751-C-T. GRCh37 (hg19) VCF-style: chr21-34012061-C-T.
Other names: c.3569G>A, p.Ser1190Asn (NM_001160302.2); c.3476G>A, p.Ser1159Asn (NM_001160306.2); c.3734G>A, p.Ser1245Asn (NM_003895.4); short protein forms S1159N, S1190N, S1206N, S1245N.
Identifiers: ClinVar variation 2123206 (VCV002123206.4), dbSNP rs1569027691, ClinGen allele CA410087922.
Genomic context (GRCh38, chr21:32,639,751, plus strand): 5'-TTGCTTTGGCTTTCAGGAGTCAGTCTTCCAGCAGATGCCCGCGCGTGGCTCTGTGGGGCA[C>T]TGATAACTCCAGCACGAGGAGGAATCGTCTACAGATAGGAAACATAACACTTGAGACATT-3'
Protein context (NP_982271.3, residues 1196-1216): PTIPPRAGVI[Ser1206Asn]APQSHARASA